The following is an entry in ClinVar:

ClinVar aggregate classification (germline): Likely benign (1 of 4 stars; one submission).

Allele frequency attached by ClinVar (database versions not stated): ESP Exome Variant Server 0.00015.
gnomAD v4.1: 314 of 1,608,260 alleles (0.02%); highest among the groups gnomAD compares: Non-Finnish European, 0.025%; no homozygotes.

Submission:

CeGaT Center for Human Genetics Tuebingen
Classification: Likely benign. Last evaluated: 2025-01-01. Review status: criteria provided, single submitter. Criteria: CeGaT Center For Human Genetics Tuebingen Variant Classification Criteria Version 2. Collection method: clinical testing. Allele origin: germline. Affected: yes. Observed: 2 variant alleles.
Comment: TRPA1: BS1

NM_007332.3(TRPA1):c.1954C>T (p.Arg652Ter)

Genes: MSC-AS1 (MSC antisense RNA 1; plus strand), TRPA1 (transient receptor potential cation channel subfamily A member 1; minus strand). Cytogenetic location: 8q21.11.
Variant type: single nucleotide variant.
Coding change: c.1954C>T on transcript NM_007332.3 (MANE Select); coding-DNA position 1954, C replaced by T.
Protein change: p.Arg652Ter; replaces arginine 652 with a stop codon.
Molecular consequence: nonsense.
Genome position (GRCh38, 1-based): chr8:72,047,159, G>A on the plus strand (C>T on the coding strand, the complement: TRPA1 is on the minus strand). VCF-style: chr8-72047159-G-A. GRCh37 (hg19) VCF-style: chr8-72959394-G-A.
Other names: short protein forms R652*.
Identifiers: ClinVar variation 1335715 (VCV001335715.35), dbSNP rs200577993, ClinGen allele CA4780709.
Genomic context (GRCh38, chr8:72,047,159, plus strand): 5'-AGAATTATAACAAAATAAATTTCAGATAATGATGATAAAATAAACTTACATAATAGTCTC[G>A]GCAGGACTTGTCTTCTGTGGAATGCAACATGCAGAAATCTAAAAGTACCTTTGAAAGAGA-3'